The following is an entry in ClinVar:

NM_001130438.3(SPTAN1):c.237G>A (p.Gln79=)

Gene: SPTAN1 (spectrin alpha, non-erythrocytic 1; plus strand). Cytogenetic location: 9q34.11.
Variant type: single nucleotide variant.
Coding change: c.237G>A on transcript NM_001130438.3 (MANE Select); coding-DNA position 237, G replaced by A.
Protein change: p.Gln79=; no amino-acid change (glutamine 79 retained).
Molecular consequence: synonymous variant.
Genome position (GRCh38, 1-based): chr9:128,566,977, G>A. VCF-style: chr9-128566977-G-A. GRCh37 (hg19) VCF-style: chr9-131329256-G-A.
Other names: c.237G>A, p.Gln79= (NM_001195532.2, NM_001363759.2, NM_001363765.2 and 5 more transcripts); c.273G>A, p.Gln91= (NM_001375312.2, NM_001375318.1).
Identifiers: ClinVar variation 3672767 (VCV003672767.2).

ClinVar aggregate classification (germline): Uncertain significance (1 of 4 stars; one submission).

Conditions:
Early-infantile DEE. Also called: Ohtahara syndrome; Early infantile epileptic encephalopathy with suppression bursts; Early infantile epileptic encephalopathy. Identifiers: Orphanet 1934, MedGen C0393706, MONDO:0800491.

gnomAD v4.1: 1 of 1,614,020 alleles (0.000062%); highest among the groups gnomAD compares: African/African-American, 0.0013%; no homozygotes.

Submission:

Labcorp Genetics (formerly Invitae), Labcorp
Classification: Uncertain significance for Early-infantile DEE. Last evaluated: 2024-06-30. Review status: criteria provided, single submitter. Criteria: Invitae Variant Classification Sherloc (09022015). Collection method: clinical testing. Allele origin: germline.
Comment: This sequence change affects codon 79 of the SPTAN1 mRNA. It is a 'silent' change, meaning that it does not change the encoded amino acid sequence of the SPTAN1 protein. This variant also falls at the last nucleotide of exon 2, which is part of the consensus splice site for this exon. This variant is not present in population databases (gnomAD no frequency). This variant has not been reported in the literature in individuals affected with SPTAN1-related conditions. Variants that disrupt the consensus splice site are a relatively common cause of aberrant splicing (PMID: 17576681, 9536098). Algorithms developed to predict the effect of sequence changes on RNA splicing suggest that this variant is not likely to affect RNA splicing. In summary, the available evidence is currently insufficient to determine the role of this variant in disease. Therefore, it has been classified as a Variant of Uncertain Significance.

Literature cited by the submitters: PubMed 17576681; PubMed 9536098.